The following is an entry in ClinVar:

ClinVar aggregate classification (germline): Uncertain significance (1 of 4 stars; one submission).

Conditions:
Cardiovascular phenotype. Identifiers: MedGen CN230736.

Submission:

Ambry Genetics
Classification: Uncertain significance for Cardiovascular phenotype. Last evaluated: 2025-06-20. Review status: criteria provided, single submitter. Criteria: Ambry Variant Classification Scheme 2023. Collection method: clinical testing. Allele origin: germline.
Comment: The p.V3909I variant (also known as c.11725G>A), located in coding exon 26 of the APOB gene, results from a G to A substitution at nucleotide position 11725. The valine at codon 3909 is replaced by isoleucine, an amino acid with highly similar properties. This amino acid position is conserved. In addition, this alteration is predicted to be tolerated by in silico analysis. Based on the available evidence, the clinical significance of this variant remains unclear.

NM_000384.3(APOB):c.11725G>A (p.Val3909Ile)

Gene: APOB (apolipoprotein B; minus strand). Cytogenetic location: 2p24.1.
Variant type: single nucleotide variant.
Coding change: c.11725G>A on transcript NM_000384.3 (MANE Select); coding-DNA position 11725, G replaced by A.
Protein change: p.Val3909Ile; replaces valine 3909 with isoleucine.
Molecular consequence: missense variant.
Genome position (GRCh38, 1-based): chr2:21,005,143, C>T on the plus strand (G>A on the coding strand, the complement: APOB is on the minus strand). VCF-style: chr2-21005143-C-T. GRCh37 (hg19) VCF-style: chr2-21228015-C-T.
Other names: short protein forms V3909I.
Identifiers: ClinVar variation 4124562 (VCV004124562.1).